The following is an entry in ClinVar:

ClinVar aggregate classification (germline): Pathogenic (1 of 4 stars; one submission).

Submission:

Labcorp Genetics (formerly Invitae), Labcorp
Classification: Pathogenic. Last evaluated: 2025-04-20. Review status: criteria provided, single submitter. Criteria: Invitae Variant Classification Sherloc (09022015). Collection method: clinical testing. Allele origin: germline.
Comment: This sequence change replaces glycine, which is neutral and non-polar, with arginine, which is basic and polar, at codon 417 of the TMC1 protein (p.Gly417Arg). This variant is not present in population databases (gnomAD no frequency). This missense change has been observed in individual(s) with autosomal dominant deafness (PMID: 20447146). It has also been observed to segregate with disease in related individuals. Invitae Evidence Modeling of protein sequence and biophysical properties (such as structural, functional, and spatial information, amino acid conservation, physicochemical variation, residue mobility, and thermodynamic stability) indicates that this missense variant is not expected to disrupt TMC1 protein function with a negative predictive value of 80%. For these reasons, this variant has been classified as Pathogenic.

Literature cited by the submitters: PubMed 20447146.

NM_138691.3(TMC1):c.1249G>A (p.Gly417Arg)

Gene: TMC1 (transmembrane channel like 1; plus strand). Cytogenetic location: 9q21.13.
Variant type: single nucleotide variant.
Coding change: c.1249G>A on transcript NM_138691.3 (MANE Select); coding-DNA position 1249, G replaced by A.
Protein change: p.Gly417Arg; replaces glycine 417 with arginine.
Molecular consequence: missense variant.
Genome position (GRCh38, 1-based): chr9:72,791,910, G>A. VCF-style: chr9-72791910-G-A. GRCh37 (hg19) VCF-style: chr9-75406826-G-A.
Other names: short protein forms G417R.
Identifiers: ClinVar variation 4709671 (VCV004709671.1).